The following is an entry in ClinVar:

ClinVar aggregate classification (germline): Uncertain significance (1 of 4 stars; one submission).

Conditions:
GNAS-related disorder. Identifiers: MedGen CN380105.

gnomAD v4.1: 3 of 1,572,708 alleles (0.00019%); highest among the groups gnomAD compares: Admixed American, 0.0018%; no homozygotes.

Submission:

PreventionGenetics, part of Exact Sciences
Classification: Uncertain significance for GNAS-related condition. Last evaluated: 2025-07-24. Review status: criteria provided, single submitter. Criteria: ACMG Guidelines, 2015. Collection method: clinical testing. Allele origin: germline.
Comment: The GNAS c.983C>A variant is predicted to result in the amino acid substitution p.Pro328Gln. To our knowledge, this variant has not been reported in the literature or in a large population database (gnomAD), indicating this variant is rare. At this time, the clinical significance of this variant is uncertain due to the absence of conclusive functional and genetic evidence.

NM_080425.4(GNAS):c.1170C>A (p.Thr390=)

Gene: GNAS (GNAS complex locus; plus strand). Cytogenetic location: 20q13.32.
Variant type: single nucleotide variant.
Coding change: c.1170C>A on transcript NM_080425.4 (MANE Plus Clinical); coding-DNA position 1170, C replaced by A.
Protein change: p.Thr390=; no amino-acid change (threonine 390 retained).
Molecular consequence: synonymous variant. On other transcripts: missense variant (2), intron variant (3).
Genome position (GRCh38, 1-based): chr20:58,854,435, C>A. VCF-style: chr20-58854435-C-A. GRCh37 (hg19) VCF-style: chr20-57429490-C-A.
Other names: c.983C>A, p.Pro328Gln (NM_001077490.3, NM_001309883.1); c.1170C>A, p.Thr390= (NM_001410913.1); c.*42+13549C>A (NM_016592.5); c.43+13549C>A (NM_001410912.1); c.-39+12560C>A (NM_001309861.2); short protein forms P328Q.
Identifiers: ClinVar variation 4989009 (VCV004989009.1).